The following is an entry in ClinVar:

ClinVar aggregate classification (germline): Uncertain significance (1 of 4 stars; one submission).

Conditions:
Inborn genetic diseases. Identifiers: MedGen C0950123, MeSH D030342.

Submission:

Ambry Genetics
Classification: Uncertain significance for Inborn genetic diseases. Last evaluated: 2025-08-19. Review status: criteria provided, single submitter. Criteria: Ambry Variant Classification Scheme 2023. Collection method: clinical testing. Allele origin: germline.
Comment: The p.V142L variant (also known as c.424G>T), located in coding exon 4 of the G6PC3 gene, results from a G to T substitution at nucleotide position 424. The valine at codon 142 is replaced by leucine, an amino acid with highly similar properties. This amino acid position is conserved. In addition, this alteration is predicted to be tolerated by in silico analysis. Based on the available evidence, the clinical significance of this variant remains unclear.

NM_138387.4(G6PC3):c.424G>T (p.Val142Leu)

Gene: G6PC3 (glucose-6-phosphatase catalytic subunit 3; plus strand). Cytogenetic location: 17q21.31.
Variant type: single nucleotide variant.
Coding change: c.424G>T on transcript NM_138387.4 (MANE Select); coding-DNA position 424, G replaced by T.
Protein change: p.Val142Leu; replaces valine 142 with leucine.
Molecular consequence: missense variant. On other transcripts: intron variant (1).
Genome position (GRCh38, 1-based): chr17:44,074,976, G>T. VCF-style: chr17-44074976-G-T. GRCh37 (hg19) VCF-style: chr17-42152344-G-T.
Other names: c.79G>T, p.Val27Leu (NM_001384165.1, NM_001384166.1, NM_001384167.1 and 1 more transcripts); c.416+206G>T (NM_001319945.2); short protein forms V142L, V27L.
Identifiers: ClinVar variation 4260999 (VCV004260999.1).